The following is an entry in ClinVar:

NM_000441.2(SLC26A4):c.849G>C (p.Met283Ile)

Gene: SLC26A4 (solute carrier family 26 member 4; plus strand). Cytogenetic location: 7q22.3.
Variant type: single nucleotide variant.
Coding change: c.849G>C on transcript NM_000441.2 (MANE Select); coding-DNA position 849, G replaced by C.
Protein change: p.Met283Ile; replaces methionine 283 with isoleucine.
Molecular consequence: missense variant.
Genome position (GRCh38, 1-based): chr7:107,683,285, G>C. VCF-style: chr7-107683285-G-C. GRCh37 (hg19) VCF-style: chr7-107323730-G-C.
Other names: short protein forms M283I.
Identifiers: ClinVar variation 165247 (VCV000165247.47), dbSNP rs146348818, ClinGen allele CA177993.

ClinVar aggregate classification (germline): Benign/Likely benign. Review status: criteria provided, multiple submitters, no conflicts (2 of 4 stars). 12 submissions from 12 submitters: Benign (6); Likely benign (3). 3 of the submissions do not count toward it. Last evaluated 2026-02-02.

Conditions:
SLC26A4-related disorder. Also called: SLC26A4-related condition; SLC26A4-related disorders.
Pendred syndrome (PDS). Also called: Pendred Syndrome (PDS); Pendred's syndrome; THYROID DYSHORMONOGENESIS 2B; THYROID HORMONOGENESIS, GENETIC DEFECT IN, 2B; DEAFNESS WITH GOITER; GOITER-DEAFNESS SYNDROME. Identifiers: Orphanet 705, MedGen C0271829, MONDO:0010134, OMIM 274600.

Allele frequency attached by ClinVar (database versions not stated): gnomAD exomes 0.00034 and 0.00073; ExAC 0.00095; gnomAD 0.00277 and 0.00293; TOPMed 0.00292; ESP Exome Variant Server 0.00300; 1000 Genomes Project 0.00339; 1000 Genomes Project 30x 0.00359.
gnomAD v4.1: 937 of 1,613,354 alleles (0.058%); highest among the groups gnomAD compares: African/African-American, 0.95%; 8 homozygotes.

Submissions (12):

Labcorp Genetics (formerly Invitae), Labcorp
Classification: Benign. Last evaluated: 2026-02-02. Review status: criteria provided, single submitter. Criteria: Invitae Variant Classification Sherloc (09022015). Collection method: clinical testing. Allele origin: germline.

Genomic Medicine Center of Excellence, King Faisal Specialist Hospital and Research Centre
Classification: Likely benign. Last evaluated: 2025-08-18. Review status: criteria provided, single submitter. Criteria: ACMG Guidelines, 2015. Collection method: clinical testing. Allele origin: germline.

CeGaT Center for Human Genetics Tuebingen
Classification: Benign. Last evaluated: 2025-05-01. Review status: criteria provided, single submitter. Criteria: CeGaT Center For Human Genetics Tuebingen Variant Classification Criteria Version 2. Collection method: clinical testing. Allele origin: germline. Affected: yes. Observed: 2 variant alleles.
Comment: SLC26A4: BS1, BS2

Blueprint Genetics
Classification: Likely benign. Last evaluated: 2024-11-12. Review status: criteria provided, single submitter. Criteria: ACMG Guidelines, 2015. Collection method: clinical testing. Allele origin: germline.

Women's Health and Genetics/Laboratory Corporation of America, LabCorp
Classification: Benign. Last evaluated: 2022-07-12. Review status: criteria provided, single submitter. Criteria: LabCorp Variant Classification Summary - May 2015. Collection method: clinical testing. Allele origin: germline.
Comment: Variant summary: SLC26A4 c.849G>C (p.Met283Ile) results in a conservative amino acid change located in the SLC26A/SulP transporter domain (IPR011547) of the encoded protein sequence. Four of five in-silico tools predict a benign effect of the variant on protein function. The variant allele was found at a frequency of 0.00073 in 251186 control chromosomes, predominantly at a frequency of 0.0093 within the African or African-American subpopulation in the gnomAD database, including one homozygote. The observed variant frequency within African or African-American control individuals in the gnomAD database is approximately 3 fold of the estimated maximal expected allele frequency for a pathogenic variant in SLC26A4 causing Pendred Syndrome phenotype (0.0035), strongly suggesting that the variant is a benign polymorphism found primarily in populations of African or African-American origin. To our knowledge, no experimental evidence demonstrating its impact on protein function have been reported. Five ClinVar submitters (evaluation after 2014) cite the variant as likely benign (n=1) and benign (n=4). Based on the evidence outlined above, the variant was classified as benign.

ARUP Laboratories, Molecular Genetics and Genomics, ARUP Laboratories
Classification: Benign. Last evaluated: 2019-12-26. Review status: criteria provided, single submitter. Criteria: ARUP Molecular Germline Variant Investigation Process. Collection method: clinical testing. Allele origin: germline.

GeneDx
Classification: Benign. Last evaluated: 2018-08-10. Review status: criteria provided, single submitter. Criteria: GeneDx Variant Classification Process June 2021. Collection method: clinical testing. Allele origin: germline. Affected: yes.
Comment: This variant is associated with the following publications: (PMID: 27771369, 30245029, 27884173, 16570074, 25262649)

Laboratory for Molecular Medicine, Mass General Brigham Personalized Medicine
Classification: Benign. Last evaluated: 2012-04-30. Review status: criteria provided, single submitter. Criteria: LMM Criteria. Collection method: clinical testing. Allele origin: germline. Observed: 2 variant alleles.
Comment: Met283Ile in Exon 07 of SLC26A4: This variant is not expected to have clinical s ignificance because it has been identified in 0.9% (32/3736) of African American chromosomes from a broad population by the NHLBI Exome Sequencing Project (dbSNP rs146348818).

Breakthrough Genomics
Classification: Likely benign. Review status: criteria provided, single submitter. Criteria: ACMG Guidelines, 2015. Collection method: not provided. Allele origin: germline. Inheritance: Autosomal recessive inheritance. Affected: yes.

Natera, Inc.
Classification: Benign for Pendred syndrome. Last evaluated: 2020-04-16. Review status: no assertion criteria provided. Collection method: clinical testing. Allele origin: germline. Not counted in ClinVar's aggregate classification.

PreventionGenetics, part of Exact Sciences
Classification: Benign for SLC26A4-related condition. Last evaluated: 2019-07-15. Review status: no assertion criteria provided. Collection method: clinical testing. Allele origin: germline. Not counted in ClinVar's aggregate classification.
Comment: This variant is classified as benign based on ACMG/AMP sequence variant interpretation guidelines (Richards et al. 2015 PMID: 25741868, with internal and published modifications).

Counsyl
Classification: Likely benign for Pendred syndrome. Last evaluated: 2017-02-14. Review status: no assertion criteria provided. Collection method: clinical testing. Allele origin: unknown. Not counted in ClinVar's aggregate classification.

Literature cited by the submitters: PubMed 16570074 (cited by Counsyl); PubMed 25262649 (cited by Counsyl).